The following is an entry in ClinVar:

NM_001100.4(ACTA1):c.148G>T (p.Gly50Cys)

Gene: ACTA1 (actin alpha 1, skeletal muscle; minus strand). Cytogenetic location: 1q42.13.
Variant type: single nucleotide variant.
Coding change: c.148G>T on transcript NM_001100.4 (MANE Select); coding-DNA position 148, G replaced by T.
Protein change: p.Gly50Cys; replaces glycine 50 with cysteine.
Molecular consequence: missense variant.
Genome position (GRCh38, 1-based): chr1:229,432,862, C>A on the plus strand (G>T on the coding strand, the complement: ACTA1 is on the minus strand). VCF-style: chr1-229432862-C-A. GRCh37 (hg19) VCF-style: chr1-229568609-C-A.
Other names: short protein forms G50C.
Identifiers: ClinVar variation 582273 (VCV000582273.9), dbSNP rs1558082103, ClinGen allele CA345150998.

ClinVar aggregate classification (germline): Uncertain significance (1 of 4 stars; one submission).

Conditions:
Actin accumulation myopathy (CMYO2A). Also called: CONGENITAL MYOPATHY 2A, TYPICAL, AUTOSOMAL DOMINANT; Nemaline myopathy type 3; Myopathy, actin, congenital, with cores; Nemaline myopathy 3, with intranuclear rods; Myopathy, actin, congenital, with excess of thin myofilaments. Identifiers: Orphanet 98904, MedGen C3711389, MONDO:0008070, OMIM 161800.

Submission:

Labcorp Genetics (formerly Invitae), Labcorp
Classification: Uncertain significance for Actin accumulation myopathy. Last evaluated: 2018-06-04. Review status: criteria provided, single submitter. Criteria: Invitae Variant Classification Sherloc (09022015). Collection method: clinical testing. Allele origin: germline.
Comment: This variant is not present in population databases (ExAC no frequency). In summary, the available evidence is currently insufficient to determine the role of this variant in disease. Therefore, it has been classified as a Variant of Uncertain Significance. Algorithms developed to predict the effect of missense changes on protein structure and function are either unavailable or do not agree on the potential impact of this missense change (SIFT: "Deleterious"; PolyPhen-2: "Benign"; Align-GVGD: "Class C65"). This variant has been observed in individuals affected with congenital fiber type disproportion (PMID: 20179953). This sequence change replaces glycine with cysteine at codon 50 of the ACTA1 protein (p.Gly50Cys). The glycine residue is highly conserved and there is a large physicochemical difference between glycine and cysteine.

Literature cited by the submitters: PubMed 20179953.